The following is an entry in ClinVar:

NM_002206.3(ITGA7):c.1409+11C>T

Gene: ITGA7 (integrin subunit alpha 7; minus strand). Cytogenetic location: 12q13.2.
Variant type: single nucleotide variant.
Coding change: c.1409+11C>T on transcript NM_002206.3 (MANE Select); 11 bases into the intron after coding-DNA position 1409, C replaced by T.
Molecular consequence: intron variant.
Genome position (GRCh38, 1-based): chr12:55,697,684, G>A on the plus strand (C>T on the coding strand, the complement: ITGA7 is on the minus strand). VCF-style: chr12-55697684-G-A. GRCh37 (hg19) VCF-style: chr12-56091468-G-A.
Other names: c.1130+11C>T (NM_001144997.2); c.1082+11C>T (NM_001367993.1); c.1070+11C>T (NM_001414035.1); c.1226+11C>T (NM_001414033.1); c.65+11C>T (NM_001367994.1); c.1289+11C>T (NM_001414032.1); c.1322+11C>T (NM_001414031.1); c.1409+11C>T (NM_001374465.1, NM_001414034.1); and 3 more.
Identifiers: ClinVar variation 389134 (VCV000389134.10), dbSNP rs748472564, ClinGen allele CA6615973.
Genomic context (GRCh38, chr12:55,697,684, plus strand): 5'-CTGAGGTCGGGGTCAGAGTCACAGGGAGGGGCTGACGGCCTCAGGGAGGGAAAAGGTTGA[G>A]AGGGGCTCACCTGAAGAGCACTGCGGTGTCAGCCAGGGAGCCCACCAGCAGGTCAGGGTA-3'

ClinVar aggregate classification (germline): Likely benign. Review status: criteria provided, multiple submitters, no conflicts (2 of 4 stars). 3 submissions from 3 submitters: Likely benign (3). Last evaluated 2025-05-18.

Conditions:
Congenital muscular dystrophy due to integrin alpha-7 deficiency. Also called: MYOPATHY, CONGENITAL, DUE TO INTEGRIN ALPHA-7 DEFICIENCY; Congenital muscular dystrophy with integrin alpha-7 deficiency; Muscular dystrophy, congenital, due to ITGA7 deficiency. Identifiers: Orphanet 34520, MedGen C2750786, MONDO:0013177, OMIM 613204.

Allele frequency attached by ClinVar (database versions not stated): gnomAD exomes below 0.00001 and 0.00001; ExAC 0.00001; gnomAD 0.00001 and 0.00002; TOPMed 0.00003.
gnomAD v4.1: 8 of 1,614,068 alleles (0.0005%); highest among the groups gnomAD compares: Non-Finnish European, 0.00068%; no homozygotes.

Submissions (3):

Labcorp Genetics (formerly Invitae), Labcorp
Classification: Likely benign for Congenital muscular dystrophy due to integrin alpha-7 deficiency. Last evaluated: 2025-05-18. Review status: criteria provided, single submitter. Criteria: Invitae Variant Classification Sherloc (09022015). Collection method: clinical testing. Allele origin: germline.

Blueprint Genetics
Classification: Likely benign. Last evaluated: 2024-06-10. Review status: criteria provided, single submitter. Criteria: ACMG Guidelines, 2015. Collection method: clinical testing. Allele origin: germline.

GeneDx
Classification: Likely benign. Last evaluated: 2016-09-22. Review status: criteria provided, single submitter. Criteria: GeneDx Variant Classification (06012015). Collection method: clinical testing. Allele origin: germline. Affected: yes.
Comment: This variant is considered likely benign or benign based on one or more of the following criteria: it is a conservative change, it occurs at a poorly conserved position in the protein, it is predicted to be benign by multiple in silico algorithms, and/or has population frequency not consistent with disease.